The following is an entry in ClinVar:

NM_003073.5(SMARCB1):c.529C>T (p.His177Tyr)

Gene: SMARCB1 (SWI/SNF related BAF chromatin remodeling complex subunit B1; plus strand). Cytogenetic location: 22q11.23.
Variant type: single nucleotide variant.
Coding change: c.529C>T on transcript NM_003073.5 (MANE Select); coding-DNA position 529, C replaced by T.
Protein change: p.His177Tyr; replaces histidine 177 with tyrosine.
Molecular consequence: missense variant.
Genome position (GRCh38, 1-based): chr22:23,803,323, C>T. VCF-style: chr22-23803323-C-T. GRCh37 (hg19) VCF-style: chr22-24145510-C-T.
Other names: c.502C>T, p.His168Tyr (NM_001007468.3); c.556C>T, p.His186Tyr (NM_001317946.2); c.583C>T, p.His195Tyr (NM_001362877.2); short protein forms H168Y, H177Y, H186Y, H195Y.
Identifiers: ClinVar variation 2679021 (VCV002679021.2), dbSNP rs2517684125, ClinGen allele CA410935553.

ClinVar aggregate classification (germline): Uncertain significance. Review status: criteria provided, multiple submitters, no conflicts (2 of 4 stars). 2 submissions from 2 submitters: Uncertain significance (2). Last evaluated 2023-12-04.

Conditions:
Hereditary cancer-predisposing syndrome. Also called: Neoplastic Syndromes, Hereditary; Hereditary neoplastic syndrome; Tumor predisposition; Hereditary Cancer Syndrome. Identifiers: Orphanet 140162, MedGen C0027672, MeSH D009386, MONDO:0015356.
Rhabdoid tumor predisposition syndrome 1 (RTPS1). Also called: Familial Posterior Fossa Brain Tumor of Infancy. Identifiers: Orphanet 231108, Orphanet 69077, MedGen C1836327, MONDO:0012252, OMIM 609322.

Submissions (2):

Ambry Genetics
Classification: Uncertain significance for Hereditary cancer-predisposing syndrome. Last evaluated: 2023-12-04. Review status: criteria provided, single submitter. Criteria: Ambry Variant Classification Scheme 2023. Collection method: clinical testing. Allele origin: germline.
Comment: The p.H177Y variant (also known as c.529C>T), located in coding exon 5 of the SMARCB1 gene, results from a C to T substitution at nucleotide position 529. The histidine at codon 177 is replaced by tyrosine, an amino acid with similar properties. This amino acid position is highly conserved in available vertebrate species. In addition, this alteration is predicted to be deleterious by in silico analysis. Missense and in-frame variants in SMARCB1 are known to cause neurodevelopmental disorders; however, such associations with rhabdoid tumor predisposition syndrome are exceedingly rare (Kosho T et al. Am J Med Genet C Semin Med Genet. 2014 Sep;166C(3):262-75; Eaton KW et al. Pediatr Blood Cancer. 2011 Jan;56(1):7-15). Since supporting evidence is limited at this time, the clinical significance of this alteration remains unclear.

Baylor Genetics
Classification: Uncertain significance for Rhabdoid tumor predisposition syndrome 1. Last evaluated: 2023-05-02. Review status: criteria provided, single submitter. Criteria: ACMG Guidelines, 2015. Collection method: clinical testing. Allele origin: unknown.